The following is an entry in ClinVar:

ClinVar aggregate classification (germline): Uncertain significance (1 of 4 stars; one submission).

Submission:

Quest Diagnostics Nichols Institute San Juan Capistrano
Classification: Uncertain significance. Last evaluated: 2025-04-03. Review status: criteria provided, single submitter. Criteria: Quest Diagnostics criteria. Collection method: clinical testing. Allele origin: unknown.
Comment: The CHEK2 c.704A>C (p.Lys235Thr) variant has not been reported in individuals with CHEK2-related conditions in the published literature. It also has not been reported in large, multi-ethnic general populations (Genome Aggregation Database). Analysis of this variant using bioinformatics tools for the prediction of the effect of amino acid changes on protein structure and function yielded predictions that this variant is damaging. Based on the available information, we are unable to determine the clinical significance of this variant.

NM_007194.4(CHEK2):c.704A>C (p.Lys235Thr)

Gene: CHEK2 (checkpoint kinase 2; minus strand). Cytogenetic location: 22q12.1.
Variant type: single nucleotide variant.
Coding change: c.704A>C on transcript NM_007194.4 (MANE Select); coding-DNA position 704, A replaced by C.
Protein change: p.Lys235Thr; replaces lysine 235 with threonine.
Molecular consequence: missense variant.
Genome position (GRCh38, 1-based): chr22:28,711,997, T>G on the plus strand (A>C on the coding strand, the complement: CHEK2 is on the minus strand). VCF-style: chr22-28711997-T-G. GRCh37 (hg19) VCF-style: chr22-29107985-T-G.
Other names: c.833A>C, p.Lys278Thr (NM_001005735.3, NM_001438294.1); c.41A>C, p.Lys14Thr (NM_001257387.3, NM_001437942.1); c.503A>C, p.Lys168Thr (NM_001349956.3); c.797A>C, p.Lys266Thr (NM_001438293.1, NM_001438295.1); c.704A>C, p.Lys235Thr (NM_145862.3); short protein forms K14T, K168T, K235T, K266T, K278T.
Identifiers: ClinVar variation 4533098 (VCV004533098.1).